The following is an entry in ClinVar:

ClinVar aggregate classification (germline): Uncertain significance (1 of 4 stars; one submission).

Allele frequency attached by ClinVar (database versions not stated): TOPMed below 0.00001; gnomAD 0.00001.

Submission:

Ambry Genetics
Classification: Uncertain significance. Last evaluated: 2022-06-20. Review status: criteria provided, single submitter. Criteria: Ambry Variant Classification Scheme 2023. Collection method: clinical testing. Allele origin: germline.
Comment: The p.V560A variant (also known as c.1679T>C), located in coding exon 1 of the MLH3 gene, results from a T to C substitution at nucleotide position 1679. The valine at codon 560 is replaced by alanine, an amino acid with similar properties. This amino acid position is conserved. In addition, this alteration is predicted to be tolerated by in silico analysis. Since supporting evidence is limited at this time, the clinical significance of this alteration remains unclear.

NM_001040108.2(MLH3):c.1679T>C (p.Val560Ala)

Gene: MLH3 (mutL homolog 3; minus strand). Cytogenetic location: 14q24.3.
Variant type: single nucleotide variant.
Coding change: c.1679T>C on transcript NM_001040108.2 (MANE Select); coding-DNA position 1679, T replaced by C.
Protein change: p.Val560Ala; replaces valine 560 with alanine.
Molecular consequence: missense variant.
Genome position (GRCh38, 1-based): chr14:75,047,977, A>G on the plus strand (T>C on the coding strand, the complement: MLH3 is on the minus strand). VCF-style: chr14-75047977-A-G. GRCh37 (hg19) VCF-style: chr14-75514680-A-G.
Other names: c.1679T>C, p.Val560Ala (NM_014381.3); short protein forms V560A.
Identifiers: ClinVar variation 1777857 (VCV001777857.2), dbSNP rs1343545651, ClinGen allele CA390444646.